The following is an entry in ClinVar:

ClinVar aggregate classification (germline): Uncertain significance (1 of 4 stars; one submission).

Conditions:
Fanconi anemia (FA). Also called: Fanconi's anemia. Identifiers: Orphanet 84, MedGen C0015625, MeSH D005199, MONDO:0019391.

Submission:

Labcorp Genetics (formerly Invitae), Labcorp
Classification: Uncertain significance for Fanconi anemia. Last evaluated: 2025-01-06. Review status: criteria provided, single submitter. Criteria: Invitae Variant Classification Sherloc (09022015). Collection method: clinical testing. Allele origin: germline.
Comment: This sequence change replaces valine, which is neutral and non-polar, with alanine, which is neutral and non-polar, at codon 203 of the FANCL protein (p.Val203Ala). This variant is not present in population databases (gnomAD no frequency). This variant has not been reported in the literature in individuals affected with FANCL-related conditions. ClinVar contains an entry for this variant (Variation ID: 1038102). Invitae Evidence Modeling of protein sequence and biophysical properties (such as structural, functional, and spatial information, amino acid conservation, physicochemical variation, residue mobility, and thermodynamic stability) indicates that this missense variant is not expected to disrupt FANCL protein function with a negative predictive value of 80%. In summary, the available evidence is currently insufficient to determine the role of this variant in disease. Therefore, it has been classified as a Variant of Uncertain Significance.

NM_018062.4(FANCL):c.608T>C (p.Val203Ala)

Gene: FANCL (FA complementation group L; minus strand). Cytogenetic location: 2p16.1.
Variant type: single nucleotide variant.
Coding change: c.608T>C on transcript NM_018062.4 (MANE Select); coding-DNA position 608, T replaced by C.
Protein change: p.Val203Ala; replaces valine 203 with alanine.
Molecular consequence: missense variant.
Genome position (GRCh38, 1-based): chr2:58,165,807, A>G on the plus strand (T>C on the coding strand, the complement: FANCL is on the minus strand). VCF-style: chr2-58165807-A-G. GRCh37 (hg19) VCF-style: chr2-58392942-A-G.
Other names: c.623T>C, p.Val208Ala (NM_001114636.2); c.653T>C, p.Val218Ala (NM_001374615.1); c.668T>C, p.Val223Ala (NM_001410792.1); short protein forms V203A, V208A, V218A, V223A.
Identifiers: ClinVar variation 1038102 (VCV001038102.9), dbSNP rs1453411120, ClinGen allele CA346937493.
Genomic context (GRCh38, chr2:58,165,807, plus strand): 5'-GCACTCCGTGGAGGTTTTTCTGGCTCAAGTACCCAGGTCTTCTCATCGATTTCATCCATA[A>G]CATCCCAGAATGCCTTTAGTGATTCTATTGCTGCCAAAAACTGACTATAAATGCTTATTA-3'
Protein context (NP_060532.2, residues 193-213): AIESLKAFWD[Val203Ala]MDEIDEKTWV